The following is an entry in ClinVar:

ClinVar aggregate classification (germline): Likely benign (1 of 4 stars; one submission).

Allele frequency attached by ClinVar (database versions not stated): TOPMed 0.00001; ExAC 0.00003; gnomAD 0.00003; ESP Exome Variant Server 0.00008; 1000 Genomes Project 30x 0.00016; 1000 Genomes Project 0.00020.
gnomAD v4.1: 52 of 1,612,676 alleles (0.0032%); highest among the groups gnomAD compares: Middle Eastern, 0.13%; no homozygotes.

Submission:

CeGaT Center for Human Genetics Tuebingen
Classification: Likely benign. Last evaluated: 2024-11-01. Review status: criteria provided, single submitter. Criteria: CeGaT Center For Human Genetics Tuebingen Variant Classification Criteria Version 2. Collection method: clinical testing. Allele origin: germline. Affected: yes. Observed: 2 variant alleles.
Comment: SHANK2: BP4

NM_012309.5(SHANK2):c.3391G>A (p.Asp1131Asn)

Gene: SHANK2 (SH3 and multiple ankyrin repeat domains 2; minus strand). Cytogenetic location: 11q13.3.
Variant type: single nucleotide variant.
Coding change: c.3391G>A on transcript NM_012309.5 (MANE Select); coding-DNA position 3391, G replaced by A.
Protein change: p.Asp1131Asn; replaces aspartic acid 1131 with asparagine.
Molecular consequence: missense variant.
Genome position (GRCh38, 1-based): chr11:70,486,902, C>T on the plus strand (G>A on the coding strand, the complement: SHANK2 is on the minus strand). VCF-style: chr11-70486902-C-T. GRCh37 (hg19) VCF-style: chr11-70333007-C-T.
Other names: c.2254G>A, p.Asp752Asn (NM_001379226.1); c.1627G>A, p.Asp543Asn (NM_133266.5); short protein forms D1131N, D543N, D752N.
Identifiers: ClinVar variation 2642079 (VCV002642079.24), dbSNP rs377435833, ClinGen allele CA6161131.